The following is an entry in ClinVar:

ClinVar aggregate classification (germline): Pathogenic (1 of 4 stars; one submission).

Submission:

CeGaT Center for Human Genetics Tuebingen
Classification: Pathogenic. Last evaluated: 2022-09-01. Review status: criteria provided, single submitter. Criteria: CeGaT Center For Human Genetics Tuebingen Variant Classification Criteria Version 2. Collection method: clinical testing. Allele origin: germline. Affected: yes. Observed: 1 variant allele.
Comment: SYNE1: PVS1, PM2

NM_182961.4(SYNE1):c.19179G>A (p.Trp6393Ter)

Gene: SYNE1 (spectrin repeat containing nuclear envelope protein 1; minus strand). Cytogenetic location: 6q25.2.
Variant type: single nucleotide variant.
Coding change: c.19179G>A on transcript NM_182961.4 (MANE Select); coding-DNA position 19179, G replaced by A.
Protein change: p.Trp6393Ter; replaces tryptophan 6393 with a stop codon.
Molecular consequence: nonsense.
Genome position (GRCh38, 1-based): chr6:152,255,672, C>T on the plus strand (G>A on the coding strand, the complement: SYNE1 is on the minus strand). VCF-style: chr6-152255672-C-T. GRCh37 (hg19) VCF-style: chr6-152576807-C-T.
Other names: c.18966G>A, p.Trp6322Ter (NM_033071.5); short protein forms W6322*, W6393*.
Identifiers: ClinVar variation 1711644 (VCV001711644.30), dbSNP rs1410855815, ClinGen allele CA366136952.